The following is an entry in ClinVar:

NM_015346.4(ZFYVE26):c.6380_6381dup (p.Tyr2128fs)

Gene: ZFYVE26 (zinc finger FYVE-type containing 26; minus strand). Cytogenetic location: 14q24.1.
Variant type: Duplication.
Coding change: c.6380_6381dup on transcript NM_015346.4 (MANE Select); coding-DNA positions 6380 to 6381, 2 bases duplicated (AT; older notation c.6380_6381dupAT).
Protein change: p.Tyr2128fs; shifts the reading frame from tyrosine 2128.
Molecular consequence: frameshift variant.
Genome position (GRCh38, 1-based): chr14:67,761,573-67,761,574, AT duplicated on the plus strand (AT on the coding strand, the reverse complement: ZFYVE26 is on the minus strand). VCF-style (leftmost placement, unchanged base first): chr14-67761572-A-AAT. GRCh37 (hg19) VCF-style: chr14-68228289-A-AAT.
Other names: short protein forms Y2128fs.
Identifiers: ClinVar variation 5011610 (VCV005011610.1).

ClinVar aggregate classification (germline): Pathogenic (1 of 4 stars; one submission).

Conditions:
Hereditary spastic paraplegia 15 (SPG15). Also called: SPASTIC PARAPLEGIA 15, AUTOSOMAL RECESSIVE; KJELLIN SYNDROME; SPASTIC PARAPLEGIA AND RETINAL DEGENERATION. Identifiers: Orphanet 100996, MedGen C1849128, MONDO:0010044, OMIM 270700.

Submission:

Myriad Genetics, Inc.
Classification: Pathogenic for Hereditary spastic paraplegia 15. Last evaluated: 2023-09-09. Review status: criteria provided, single submitter. Criteria: Myriad Autosomal Dominant, Autosomal Recessive and X-Linked Classification Criteria (2023). Collection method: clinical testing. Allele origin: unknown.
Comment: NM_015346.3(ZFYVE26):c.6380_6381dupAT(Y2128Ifs*6) is expected to be pathogenic in the context of spastic paraplegia type 15. This variant is predicted to lead to an abnormal or absent protein product due to the creation of a premature termination codon in ZFYVE26, a gene where loss-of-function variants are known to be pathogenic. Please note: this variant was assessed in the context of healthy population screening.